The following is an entry in ClinVar:

ClinVar aggregate classification (germline): Uncertain significance (1 of 4 stars; one submission).

Submission:

Labcorp Genetics (formerly Invitae), Labcorp
Classification: Uncertain significance. Last evaluated: 2021-12-13. Review status: criteria provided, single submitter. Criteria: Invitae Variant Classification Sherloc (09022015). Collection method: clinical testing. Allele origin: germline.
Comment: This variant has not been reported in the literature in individuals affected with SI-related conditions. This sequence change replaces cysteine, which is neutral and slightly polar, with serine, which is neutral and polar, at codon 283 of the SI protein (p.Cys283Ser). This variant is not present in population databases (gnomAD no frequency). Algorithms developed to predict the effect of missense changes on protein structure and function are either unavailable or do not agree on the potential impact of this missense change (SIFT: "Deleterious"; PolyPhen-2: "Benign"; Align-GVGD: "Class C0"). In summary, the available evidence is currently insufficient to determine the role of this variant in disease. Therefore, it has been classified as a Variant of Uncertain Significance.

NM_001041.4(SI):c.848G>C (p.Cys283Ser)

Gene: SI (sucrase-isomaltase; minus strand). Cytogenetic location: 3q26.1.
Variant type: single nucleotide variant.
Coding change: c.848G>C on transcript NM_001041.4 (MANE Select); coding-DNA position 848, G replaced by C.
Protein change: p.Cys283Ser; replaces cysteine 283 with serine.
Molecular consequence: missense variant.
Genome position (GRCh38, 1-based): chr3:165,063,501, C>G on the plus strand (G>C on the coding strand, the complement: SI is on the minus strand). VCF-style: chr3-165063501-C-G. GRCh37 (hg19) VCF-style: chr3-164781289-C-G.
Other names: short protein forms C283S.
Identifiers: ClinVar variation 2041954 (VCV002041954.4), dbSNP rs2473422091, ClinGen allele CA355031761.